The following is an entry in ClinVar:

NM_203446.3(SYNJ1):c.3521G>A (p.Arg1174His)

Gene: SYNJ1 (synaptojanin 1; minus strand). Cytogenetic location: 21q22.11.
Variant type: single nucleotide variant.
Coding change: c.3521G>A on transcript NM_203446.3 (MANE Select); coding-DNA position 3521, G replaced by A.
Protein change: p.Arg1174His; replaces arginine 1174 with histidine.
Molecular consequence: missense variant.
Genome position (GRCh38, 1-based): chr21:32,641,963, C>T on the plus strand (G>A on the coding strand, the complement: SYNJ1 is on the minus strand). VCF-style: chr21-32641963-C-T. GRCh37 (hg19) VCF-style: chr21-34014273-C-T.
Other names: c.3473G>A, p.Arg1158His (NM_001160302.2); c.3380G>A, p.Arg1127His (NM_001160306.2); c.3638G>A, p.Arg1213His (NM_003895.4); short protein forms R1127H, R1158H, R1174H, R1213H.
Identifiers: ClinVar variation 3763868 (VCV003763868.2).

ClinVar aggregate classification (germline): Uncertain significance (1 of 4 stars; one submission).

Conditions:
Developmental and epileptic encephalopathy, 53. Also called: Epileptic encephalopathy, early infantile, 53. Identifiers: MedGen C4479313, MONDO:0033362, OMIM 617389.
Early-onset Parkinson disease 20. Also called: PARKINSON DISEASE 20, AUTOSOMAL RECESSIVE EARLY-ONSET. Identifiers: Orphanet 391411, MedGen C3809824, MONDO:0014233, OMIM 615530.

gnomAD v4.1: 3 of 1,613,706 alleles (0.00019%); highest among the groups gnomAD compares: South Asian, 0.0022%; no homozygotes.

Submission:

Labcorp Genetics (formerly Invitae), Labcorp
Classification: Uncertain significance for Developmental and epileptic encephalopathy, 53; Early-onset Parkinson disease 20. Last evaluated: 2024-12-16. Review status: criteria provided, single submitter. Criteria: Invitae Variant Classification Sherloc (09022015). Collection method: clinical testing. Allele origin: germline.
Comment: This sequence change replaces arginine, which is basic and polar, with histidine, which is basic and polar, at codon 1213 of the SYNJ1 protein (p.Arg1213His). This variant is present in population databases (rs776889207, gnomAD 0.003%). This variant has not been reported in the literature in individuals affected with SYNJ1-related conditions. An algorithm developed to predict the effect of missense changes on protein structure and function outputs the following: PolyPhen-2: "Benign". The histidine amino acid residue is found in multiple mammalian species, which suggests that this missense change does not adversely affect protein function. In summary, the available evidence is currently insufficient to determine the role of this variant in disease. Therefore, it has been classified as a Variant of Uncertain Significance.